The following is an entry in ClinVar:

NM_018297.4(NGLY1):c.38C>T (p.Ala13Val)

Gene: NGLY1 (N-glycanase 1; minus strand). Cytogenetic location: 3p24.2.
Variant type: single nucleotide variant.
Coding change: c.38C>T on transcript NM_018297.4 (MANE Select); coding-DNA position 38, C replaced by T.
Protein change: p.Ala13Val; replaces alanine 13 with valine.
Molecular consequence: missense variant. On other transcripts: intron variant (1).
Genome position (GRCh38, 1-based): chr3:25,783,353, G>A on the plus strand (C>T on the coding strand, the complement: NGLY1 is on the minus strand). VCF-style: chr3-25783353-G-A. GRCh37 (hg19) VCF-style: chr3-25824844-G-A.
Other names: c.38C>T, p.Ala13Val (NM_001145293.2, NM_001145295.2); c.6-4665C>T (NM_001145294.2); c.38C>T (NM_018297.3); short protein forms A13V.
Identifiers: ClinVar variation 1398488 (VCV001398488.9), dbSNP rs752321437, ClinGen allele CA2289605.

ClinVar aggregate classification (germline): Uncertain significance. Review status: criteria provided, multiple submitters, no conflicts (2 of 4 stars). 2 submissions from 2 submitters: Uncertain significance (2). Last evaluated 2023-12-13.

Conditions:
Inborn genetic diseases. Identifiers: MedGen C0950123, MeSH D030342.
Congenital disorder of deglycosylation (CDDG). Identifiers: MedGen C3808991, MONDO:0031376.

Allele frequency attached by ClinVar (database versions not stated): TOPMed below 0.00001; gnomAD exomes 0.00001 and 0.00002; ExAC 0.00006.
gnomAD v4.1: 8 of 1,569,288 alleles (0.00051%); highest among the groups gnomAD compares: South Asian, 0.0081%; no homozygotes.

Submissions (2):

Ambry Genetics
Classification: Uncertain significance for Inborn genetic diseases. Last evaluated: 2023-12-13. Review status: criteria provided, single submitter. Criteria: Ambry Variant Classification Scheme 2023. Collection method: clinical testing. Allele origin: germline.

Labcorp Genetics (formerly Invitae), Labcorp
Classification: Uncertain significance for Congenital disorder of deglycosylation. Last evaluated: 2023-07-14. Review status: criteria provided, single submitter. Criteria: Invitae Variant Classification Sherloc (09022015). Collection method: clinical testing. Allele origin: germline.
Comment: In summary, the available evidence is currently insufficient to determine the role of this variant in disease. Therefore, it has been classified as a Variant of Uncertain Significance. Experimental studies and prediction algorithms are not available or were not evaluated, and the functional significance of this variant is currently unknown. ClinVar contains an entry for this variant (Variation ID: 1398488). This variant has not been reported in the literature in individuals affected with NGLY1-related conditions. The frequency data for this variant in the population databases is considered unreliable, as metrics indicate poor data quality at this position in the gnomAD database. This sequence change replaces alanine, which is neutral and non-polar, with valine, which is neutral and non-polar, at codon 13 of the NGLY1 protein (p.Ala13Val).